The following is an entry in ClinVar:

ClinVar aggregate classification (germline): Uncertain significance. Review status: criteria provided, multiple submitters, no conflicts (2 of 4 stars). 3 submissions from 3 submitters: Uncertain significance (3). Last evaluated 2026-02-13.

Conditions:
ZNF469-related disorder. Also called: ZNF469-related condition.
Cardiovascular phenotype. Identifiers: MedGen CN230736.
Ehlers-Danlos syndrome (EDS). Identifiers: Orphanet 98249, MedGen C0013720, MONDO:0020066.

gnomAD v4.1: 117 of 1,549,530 alleles (0.0076%); highest among the groups gnomAD compares: Non-Finnish European, 0.01%; no homozygotes.

Submissions (3):

PreventionGenetics, part of Exact Sciences
Classification: Uncertain significance for ZNF469-related condition. Last evaluated: 2026-02-13. Review status: criteria provided, single submitter. Criteria: ACMG Guidelines, 2015. Collection method: clinical testing. Allele origin: germline.
Comment: The ZNF469 c.7997G>C variant is predicted to result in the amino acid substitution p.Arg2666Pro. To our knowledge, this variant has not been reported in the literature. This variant is reported in 0.0051% of alleles in individuals of European (Non-Finnish) descent in gnomAD. At this time, the clinical significance of this variant is uncertain due to the absence of conclusive functional and genetic evidence.

Ambry Genetics
Classification: Uncertain significance for Cardiovascular phenotype. Last evaluated: 2024-08-28. Review status: criteria provided, single submitter. Criteria: Ambry Variant Classification Scheme 2023. Collection method: clinical testing. Allele origin: germline.
Comment: The p.R2666P variant (also known as c.7997G>C), located in coding exon 2 of the ZNF469 gene, results from a G to C substitution at nucleotide position 7997. The arginine at codon 2666 is replaced by proline, an amino acid with dissimilar properties. This amino acid position is conserved. In addition, this alteration is predicted to be tolerated by in silico analysis. Since supporting evidence is limited at this time, the clinical significance of this alteration remains unclear.

Genome Diagnostics Laboratory, The Hospital for Sick Children
Classification: Uncertain significance for Ehlers-Danlos syndrome. Last evaluated: 2018-11-01. Review status: criteria provided, single submitter. Criteria: ACMG Guidelines, 2015. Collection method: clinical testing. Allele origin: germline.

NM_001367624.2(ZNF469):c.8081G>C (p.Arg2694Pro)

Gene: ZNF469 (zinc finger protein 469; plus strand). Cytogenetic location: 16q24.2.
Variant type: single nucleotide variant.
Coding change: c.8081G>C on transcript NM_001367624.2 (MANE Select); coding-DNA position 8081, G replaced by C.
Protein change: p.Arg2694Pro; replaces arginine 2694 with proline.
Molecular consequence: missense variant.
Genome position (GRCh38, 1-based): chr16:88,435,551, G>C. VCF-style: chr16-88435551-G-C. GRCh37 (hg19) VCF-style: chr16-88501959-G-C.
Other names: NM_001127464.2:c.7997G>C; NM_001127464.1:c.7997G>C; short protein forms R2694P.
Identifiers: ClinVar variation 1702155 (VCV001702155.7), dbSNP rs889719149, ClinGen allele CA286383581.